The following is an entry in ClinVar:

ClinVar aggregate classification (germline): Uncertain significance (1 of 4 stars; one submission).

Allele frequency attached by ClinVar (database versions not stated): gnomAD 0.00001; gnomAD exomes 0.00001.

Submission:

GeneDx
Classification: Uncertain significance. Last evaluated: 2017-03-06. Review status: criteria provided, single submitter. Criteria: GeneDx Variant Classification (06012015). Collection method: clinical testing. Allele origin: germline. Affected: yes.
Comment: The R85C variant in the OPN1LW gene has not been reported previously as a pathogenic variant, nor as a benign variant, to our knowledge. The R85C variant is not observed in large population cohorts (Lek et al., 2016; 1000 Genomes Consortium et al., 2015; Exome Variant Server). The R85C variant is a non-conservative amino acid substitution, which is likely to impact secondary protein structure as these residues differ in polarity, charge, size and/or other properties. This substitution occurs at a position that is conserved across species. In silico analysis predicts this variant is probably damaging to the protein structure/function. We interpret R85C as a variant of uncertain significance.

NM_020061.6(OPN1LW):c.253C>T (p.Arg85Cys)

Gene: OPN1LW (opsin 1, long wave sensitive; plus strand). Cytogenetic location: Xq28.
Variant type: single nucleotide variant.
Coding change: c.253C>T on transcript NM_020061.6 (MANE Select); coding-DNA position 253, C replaced by T.
Protein change: p.Arg85Cys; replaces arginine 85 with cysteine.
Molecular consequence: missense variant.
Genome position (GRCh38, 1-based): chrX:154,150,796, C>T. VCF-style: chrX-154150796-C-T. GRCh37 (hg19) VCF-style: chrX-153416268-C-T.
Other names: short protein forms R85C.
Identifiers: ClinVar variation 423813 (VCV000423813.2), dbSNP rs1064796643, ClinGen allele CA16621250.